The following is an entry in ClinVar:

ClinVar aggregate classification (germline): Uncertain significance (1 of 4 stars; one submission).

gnomAD v4.1: 2 of 1,614,182 alleles (0.00012%); no homozygotes.

Submission:

Ambry Genetics
Classification: Uncertain significance. Last evaluated: 2024-12-02. Review status: criteria provided, single submitter. Criteria: Ambry Variant Classification Scheme 2023. Collection method: clinical testing. Allele origin: germline.
Comment: The p.S198G variant (also known as c.592A>G), located in coding exon 1 of the CDK12 gene, results from an A to G substitution at nucleotide position 592. The serine at codon 198 is replaced by glycine, an amino acid with similar properties. This amino acid position is conserved. In addition, this alteration is predicted to be tolerated by in silico analysis. Based on the available evidence, the clinical significance of this variant remains unclear.

NM_016507.4(CDK12):c.592A>G (p.Ser198Gly)

Genes: CDK12 (cyclin dependent kinase 12; plus strand), LOC126862553 (CDK7 strongly-dependent group 2 enhancer GRCh37_chr17:37618166-37619365; plus strand). Cytogenetic location: 17q12.
Variant type: single nucleotide variant.
Coding change: c.592A>G on transcript NM_016507.4 (MANE Select); coding-DNA position 592, A replaced by G.
Protein change: p.Ser198Gly; replaces serine 198 with glycine.
Molecular consequence: missense variant.
Genome position (GRCh38, 1-based): chr17:39,462,663, A>G. VCF-style: chr17-39462663-A-G. GRCh37 (hg19) VCF-style: chr17-37618916-A-G.
Other names: c.592A>G, p.Ser198Gly (NM_015083.4); short protein forms S198G.
Identifiers: ClinVar variation 3489338 (VCV003489338.1).